The following is an entry in ClinVar:

ClinVar aggregate classification (germline): Uncertain significance. Review status: criteria provided, multiple submitters, no conflicts (2 of 4 stars). 2 submissions from 2 submitters: Uncertain significance (2). Last evaluated 2025-08-18.

Allele frequency attached by ClinVar (database versions not stated): gnomAD exomes below 0.00001; gnomAD 0.00001; TOPMed 0.00001.
gnomAD v4.1: 7 of 1,613,690 alleles (0.00043%); highest among the groups gnomAD compares: African/African-American, 0.0027%; no homozygotes.

Submissions (2):

Labcorp Genetics (formerly Invitae), Labcorp
Classification: Uncertain significance. Last evaluated: 2025-08-18. Review status: criteria provided, single submitter. Criteria: Invitae Variant Classification Sherloc (09022015). Collection method: clinical testing. Allele origin: germline.
Comment: This sequence change replaces threonine, which is neutral and polar, with methionine, which is neutral and non-polar, at codon 499 of the KCNH1 protein (p.Thr499Met). This variant is not present in population databases (gnomAD no frequency). This variant has not been reported in the literature in individuals affected with KCNH1-related conditions. ClinVar contains an entry for this variant (Variation ID: 1942938). Invitae Evidence Modeling of protein sequence and biophysical properties (such as structural, functional, and spatial information, amino acid conservation, physicochemical variation, residue mobility, and thermodynamic stability) has been performed for this missense variant. However, the output from this modeling did not meet the statistical confidence thresholds required to predict the impact of this variant on KCNH1 protein function. In summary, the available evidence is currently insufficient to determine the role of this variant in disease. Therefore, it has been classified as a Variant of Uncertain Significance.

CeGaT Center for Human Genetics Tuebingen
Classification: Uncertain significance. Last evaluated: 2025-03-01. Review status: criteria provided, single submitter. Criteria: CeGaT Center For Human Genetics Tuebingen Variant Classification Criteria Version 2. Collection method: clinical testing. Allele origin: germline. Affected: yes. Observed: 1 variant allele.
Comment: KCNH1: PM1, PP3

NM_172362.3(KCNH1):c.1496C>T (p.Thr499Met)

Gene: KCNH1 (potassium voltage-gated channel subfamily H member 1; minus strand). Cytogenetic location: 1q32.2.
Variant type: single nucleotide variant.
Coding change: c.1496C>T on transcript NM_172362.3 (MANE Select); coding-DNA position 1496, C replaced by T.
Protein change: p.Thr499Met; replaces threonine 499 with methionine.
Molecular consequence: missense variant.
Genome position (GRCh38, 1-based): chr1:210,804,133, G>A on the plus strand (C>T on the coding strand, the complement: KCNH1 is on the minus strand). VCF-style: chr1-210804133-G-A. GRCh37 (hg19) VCF-style: chr1-210977475-G-A.
Other names: c.1415C>T, p.Thr472Met (NM_002238.4); short protein forms T472M, T499M.
Identifiers: ClinVar variation 1942938 (VCV001942938.12), dbSNP rs942768469, ClinGen allele CA37124781.